The following is an entry in ClinVar:

ClinVar aggregate classification (germline): Likely pathogenic. Review status: criteria provided, multiple submitters, no conflicts (2 of 4 stars). 2 submissions from 2 submitters: Likely pathogenic (2). Last evaluated 2023-09-26.

Conditions:
Hereditary spherocytosis type 2. Also called: SPHEROCYTOSIS, TYPE 2, AUTOSOMAL DOMINANT. Identifiers: Orphanet 822, MedGen C2674219, MONDO:0000913, OMIM 616649.

Submissions (2):

Mayo Clinic Laboratories, Mayo Clinic
Classification: Likely pathogenic. Last evaluated: 2023-09-26. Review status: criteria provided, single submitter. Criteria: ACMG Guidelines, 2015. Collection method: clinical testing. Allele origin: germline. Observed: 1 variant allele.
Comment: PM2_moderate, PVS1

3billion
Classification: Likely pathogenic for Hereditary spherocytosis type 2. Last evaluated: 2023-02-23. Review status: criteria provided, single submitter. Criteria: ACMG Guidelines, 2015. Collection method: clinical testing. Allele origin: unknown. Affected: yes.
Comment: The variant is not observed in the gnomAD v2.1.1 dataset. This variant was predicted to result in a loss or disruption of normal protein function through nonsense-mediated decay (NMD) or protein truncation. Multiple pathogenic variants are reported downstream of the variant. Therefore, this variant is classified as Likely pathogenic according to the recommendation of ACMG/AMP guideline.

NM_001355436.2(SPTB):c.1465G>T (p.Glu489Ter)

Gene: SPTB (spectrin beta, erythrocytic; minus strand). Cytogenetic location: 14q23.3.
Variant type: single nucleotide variant.
Coding change: c.1465G>T on transcript NM_001355436.2 (MANE Select); coding-DNA position 1465, G replaced by T.
Protein change: p.Glu489Ter; replaces glutamic acid 489 with a stop codon.
Molecular consequence: nonsense.
Genome position (GRCh38, 1-based): chr14:64,795,516, C>A on the plus strand (G>T on the coding strand, the complement: SPTB is on the minus strand). VCF-style: chr14-64795516-C-A. GRCh37 (hg19) VCF-style: chr14-65262234-C-A.
Other names: p.Glu489*; c.1465G>T, p.Glu489Ter (NM_001024858.4, NM_001355437.2); short protein forms E489*.
Identifiers: ClinVar variation 2444088 (VCV002444088.2), dbSNP rs762902447, ClinGen allele CA390023838.